The following is an entry in ClinVar:

ClinVar aggregate classification (germline): Uncertain significance (1 of 4 stars; one submission).

Allele frequency attached by ClinVar (database versions not stated): gnomAD 0.00001; TOPMed 0.00003; gnomAD exomes 0.00006.
gnomAD v4.1: 93 of 1,613,726 alleles (0.0058%); highest among the groups gnomAD compares: Non-Finnish European, 0.0075%; no homozygotes.

Submission:

Labcorp Genetics (formerly Invitae), Labcorp
Classification: Uncertain significance. Last evaluated: 2023-12-16. Review status: criteria provided, single submitter. Criteria: Invitae Variant Classification Sherloc (09022015). Collection method: clinical testing. Allele origin: germline.
Comment: This sequence change affects an acceptor splice site in intron 8 of the ITGAM gene. It is expected to disrupt RNA splicing. Variants that disrupt the donor or acceptor splice site typically lead to a loss of protein function (PMID: 16199547), however the current clinical and genetic evidence is not sufficient to establish whether loss-of-function variants in ITGAM cause disease. This variant is not present in population databases (gnomAD no frequency). This variant has not been reported in the literature in individuals affected with ITGAM-related conditions. Algorithms developed to predict the effect of sequence changes on RNA splicing suggest that this variant may disrupt the consensus splice site. In summary, the available evidence is currently insufficient to determine the role of this variant in disease. Therefore, it has been classified as a Variant of Uncertain Significance.

Literature cited by the submitters: PubMed 16199547.

NM_000632.4(ITGAM):c.859-2A>G

Gene: ITGAM (integrin subunit alpha M; plus strand). Cytogenetic location: 16p11.2.
Variant type: single nucleotide variant.
Coding change: c.859-2A>G on transcript NM_000632.4 (MANE Select); the canonical splice acceptor site of the intron before coding-DNA position 859, A replaced by G.
Molecular consequence: splice acceptor variant.
Genome position (GRCh38, 1-based): chr16:31,275,547, A>G. VCF-style: chr16-31275547-A-G. GRCh37 (hg19) VCF-style: chr16-31286868-A-G.
Other names: c.859-2A>G (NM_001145808.2).
Identifiers: ClinVar variation 2897250 (VCV002897250.3), dbSNP rs944121718, ClinGen allele CA280605578.